The following is an entry in ClinVar:

NM_017999.5(RNF31):c.2509C>G (p.Arg837Gly)

Gene: RNF31 (ring finger protein 31; plus strand). Cytogenetic location: 14q12.
Variant type: single nucleotide variant.
Coding change: c.2509C>G on transcript NM_017999.5 (MANE Select); coding-DNA position 2509, C replaced by G.
Protein change: p.Arg837Gly; replaces arginine 837 with glycine.
Molecular consequence: missense variant.
Genome position (GRCh38, 1-based): chr14:24,157,305, C>G. VCF-style: chr14-24157305-C-G. GRCh37 (hg19) VCF-style: chr14-24626514-C-G.
Other names: c.2056C>G, p.Arg686Gly (NM_001310332.2); short protein forms R686G, R837G.
Identifiers: ClinVar variation 1926003 (VCV001926003.5), dbSNP rs969934659, ClinGen allele CA257873814.
Genomic context (GRCh38, chr14:24,157,305, plus strand): 5'-GGATGGGATAGAGCTCCCATGTGAAGCCTACTTTCCCTCTGGCAGTGGGAGGAGCAGCAC[C>G]GAGGTCGGAGCTGTGAGGACTTCCAGAACTGGAAACGCATGAACGACCCAGAATACCAGG-3'
Protein context (NP_060469.4, residues 827-847): RCKRQWEEQH[Arg837Gly]GRSCEDFQNW

ClinVar aggregate classification (germline): Uncertain significance (1 of 4 stars; one submission).

Allele frequency attached by ClinVar (database versions not stated): TOPMed 0.00001.
gnomAD v4.1: 2 of 1,608,286 alleles (0.00012%); highest among the groups gnomAD compares: Non-Finnish European, 0.00017%; no homozygotes.

Submission:

Labcorp Genetics (formerly Invitae), Labcorp
Classification: Uncertain significance. Last evaluated: 2022-04-19. Review status: criteria provided, single submitter. Criteria: Invitae Variant Classification Sherloc (09022015). Collection method: clinical testing. Allele origin: germline.
Comment: Algorithms developed to predict the effect of missense changes on protein structure and function are either unavailable or do not agree on the potential impact of this missense change (SIFT: "Tolerated"; PolyPhen-2: "Possibly Damaging"; Align-GVGD: "Class C0"). In summary, the available evidence is currently insufficient to determine the role of this variant in disease. Therefore, it has been classified as a Variant of Uncertain Significance. This sequence change replaces arginine, which is basic and polar, with glycine, which is neutral and non-polar, at codon 837 of the RNF31 protein (p.Arg837Gly). This variant is present in population databases (no rsID available, gnomAD 0.0009%). This variant has not been reported in the literature in individuals affected with RNF31-related conditions.